The following is an entry in ClinVar:

NM_144596.4(TTC8):c.695del (p.Gly232fs)

Gene: TTC8 (tetratricopeptide repeat domain 8; plus strand). Cytogenetic location: 14q31.3.
Variant type: Deletion.
Coding change: c.695del on transcript NM_144596.4 (MANE Select); coding-DNA position 695, one base deleted (G; older notation c.695delG).
Protein change: p.Gly232fs; shifts the reading frame from glycine 232.
Molecular consequence: frameshift variant. On other transcripts: 5 prime UTR variant (1), non-coding transcript variant (1).
Genome position (GRCh38, 1-based): chr14:88,853,041, G deleted; the last of 2 consecutive G bases (chr14:88,853,040-88,853,041); deleting either gives the same sequence. VCF-style (leftmost placement, unchanged base first): chr14-88853039-TG-T. GRCh37 (hg19) VCF-style: chr14-89319383-TG-T.
Other names: c.743del, p.Gly248fs (NM_001288781.1); c.101del, p.Gly34fs (NM_001288782.1); c.-23del (NM_001288783.1); c.665del, p.Gly222fs (NM_001366535.2, NM_198309.3); c.575del, p.Gly192fs (NM_001366536.2, NM_198310.3); short protein forms G192fs, G232fs, G248fs, G34fs, G222fs.
Identifiers: ClinVar variation 4989299 (VCV004989299.1).

ClinVar aggregate classification (germline): Likely pathogenic (1 of 4 stars; one submission).

Conditions:
TTC8-related disorder. Also called: TTC8-related condition.

Submission:

PreventionGenetics, part of Exact Sciences
Classification: Likely pathogenic for TTC8-related condition. Last evaluated: 2025-08-14. Review status: criteria provided, single submitter. Criteria: ACMG Guidelines, 2015. Collection method: clinical testing. Allele origin: germline.
Comment: The TTC8 c.695delG variant is predicted to result in a frameshift and premature protein termination (p.Gly232Glufs*21). To our knowledge, this variant has not been reported in the literature or in a large population database (gnomAD), indicating this variant is rare. Frameshift variants in TTC8 are expected to be pathogenic. This variant is interpreted as likely pathogenic.